The following is an entry in ClinVar:

NM_000552.5(VWF):c.4586_4591del (p.Asp1529_Val1530del)

Gene: VWF (von Willebrand factor; minus strand). Cytogenetic location: 12p13.31.
Variant type: Deletion.
Coding change: c.4586_4591del on transcript NM_000552.5 (MANE Select); coding-DNA positions 4586 to 4591, 6 bases deleted (ATGTGG; older notation c.4586_4591delATGTGG).
Protein change: p.Asp1529_Val1530del.
Molecular consequence: inframe deletion.
Genome position (GRCh38, 1-based): chr12:6,018,827-6,018,832, CCACAT deleted on the plus strand (ATGTGG on the coding strand, the reverse complement: VWF is on the minus strand); deleting any 6 consecutive bases within chr12:6,018,827-6,018,835 gives the same sequence; the c. name uses the placement nearest the transcript's 3' end. VCF-style (leftmost placement, unchanged base first): chr12-6018826-CCCACAT-C. GRCh37 (hg19) VCF-style: chr12-6127992-CCCACAT-C.
Other names: NM_000552.5:c.4586_4591del.
Identifiers: ClinVar variation 3393382 (VCV003393382.1).
Genomic context (GRCh38, chr12:6,018,826, plus strand): 5'-GGGTACTCCACAGTCACCATGTAGGAGTACTGCAGCACCGTGACGTGGATGCTGTCCTGG[CCCACAT>C]CCATCCGCTGAATCACCTCCTCCATGAACTCCTTGCTCCTGTTGAAGTCGGCTTCACCAA-3'

ClinVar aggregate classification (germline): Pathogenic (3 of 4 stars; one submission).

Conditions:
Von Willebrand disease type 2A. Identifiers: Orphanet 166084, MedGen C1282968, MONDO:0015628. Inheritance: Autosomal recessive or autosomal dominant.

Submission:

ClinGen von Willebrand Disease Variant Curation Expert Panel, ClinGen
Classification: Pathogenic for Von Willebrand disease type 2A. Last evaluated: 2024-11-05. Review status: reviewed by expert panel. Criteria: ClinGen VWD 2A B M Rules. Collection method: curation. Allele origin: germline. Inheritance: Autosomal dominant inheritance.
Comment: The NM_000552.5(VWF):c.4586_4591del (p.Asp1529_Val1530del) variant is predicted to cause a change in the length of the protein due to an in-frame deletion of 2 amino acids in a non-repeat region (PM4). It is absent from gnomADv4.1 (PM2_supporting). At least 1 patient with this variant displayed excessive mucocutaneous bleeding as well as a laboratory phenotypes of very low VWF activity (6.2 U/dL), low activity/VWF:Ag ratio (0.30), and loss of high molecular weight multimers, which is highly specific for VWD type 2A. (PP4_Moderate, PMID: 22479377). Additional consistent phenotypes were also reported in the patient including, FVIII activity consistent with VWF antigen (ratio >0.7), and a RIPA assay. It segregates with VWD type 2A through 4 affected meioses from this family (PP1; PMID:22479377). Multimerization assay performed with the Asp1529_Val1530del recombinant mutant vWF expressed by HEK293 showed abnormal multimers with less HMW multimers, indicating that this variant has a damaging effect on protein function (PMID:22479377; PS3). In summary, this variant classifies as Pathogenic based on ACMG criteria as specified by the VWD VCEP: PM4, PM2_supporting, PP4_Moderate, PP1, and PS3.

Literature cited by the submitters: PubMed 22479377.